The following is an entry in ClinVar:

ClinVar aggregate classification (germline): Uncertain significance (1 of 4 stars; one submission).

Submission:

Ambry Genetics
Classification: Uncertain significance. Last evaluated: 2025-09-19. Review status: criteria provided, single submitter. Criteria: Ambry Variant Classification Scheme 2023. Collection method: clinical testing. Allele origin: germline.
Comment: The p.F89C variant (also known as c.266T>G), located in coding exon 1 of the CDK12 gene, results from a T to G substitution at nucleotide position 266. The phenylalanine at codon 89 is replaced by cysteine, an amino acid with highly dissimilar properties. This amino acid position is conserved. In addition, this alteration is predicted to be tolerated by in silico analysis. Based on the available evidence, the clinical significance of this variant remains unclear.

NM_016507.4(CDK12):c.266T>G (p.Phe89Cys)

Genes: CDK12 (cyclin dependent kinase 12; plus strand), LOC126862553 (CDK7 strongly-dependent group 2 enhancer GRCh37_chr17:37618166-37619365; plus strand). Cytogenetic location: 17q12.
Variant type: single nucleotide variant.
Coding change: c.266T>G on transcript NM_016507.4 (MANE Select); coding-DNA position 266, T replaced by G.
Protein change: p.Phe89Cys; replaces phenylalanine 89 with cysteine.
Molecular consequence: missense variant.
Genome position (GRCh38, 1-based): chr17:39,462,337, T>G. VCF-style: chr17-39462337-T-G. GRCh37 (hg19) VCF-style: chr17-37618590-T-G.
Other names: c.266T>G, p.Phe89Cys (NM_015083.4); short protein forms F89C.
Identifiers: ClinVar variation 4651319 (VCV004651319.1).